The following is an entry in ClinVar:

NM_001194.4(HCN2):c.1783G>A (p.Gly595Ser)

Gene: HCN2 (hyperpolarization activated cyclic nucleotide gated potassium and sodium channel 2; plus strand). Cytogenetic location: 19p13.3.
Variant type: single nucleotide variant.
Coding change: c.1783G>A on transcript NM_001194.4 (MANE Select); coding-DNA position 1783, G replaced by A.
Protein change: p.Gly595Ser; replaces glycine 595 with serine.
Molecular consequence: missense variant.
Genome position (GRCh38, 1-based): chr19:613,446, G>A. VCF-style: chr19-613446-G-A. GRCh37 (hg19) VCF-style: chr19-613446-G-A.
Other names: short protein forms G595S.
Identifiers: ClinVar variation 4293062 (VCV004293062.1).

ClinVar aggregate classification (germline): Uncertain significance (1 of 4 stars; one submission).

Conditions:
Epilepsy, idiopathic generalized, susceptibility to, 17 (EIG17). Identifiers: MedGen C5561931, MONDO:0100519, OMIM 602477.

Submission:

3billion
Classification: Uncertain significance for Epilepsy, idiopathic generalized, susceptibility to, 17. Last evaluated: 2024-10-31. Review status: criteria provided, single submitter. Criteria: ACMG Guidelines, 2015. Collection method: clinical testing. Allele origin: germline. Affected: yes.
Comment: The variant is observed at an extremely low frequency in the gnomAD v4.1.0 dataset (total allele frequency: <0.001%). Predicted Consequence/Location: Missense variant. Missense changes are a common disease-causing mechanism. In silico tool predictions suggest damaging effect of the variant on gene or gene product [REVEL: 0.60 (>=0.6, sensitivity 0.68 and specificity 0.92)]. Therefore, this variant is classified as VUS according to the recommendation of ACMG/AMP guideline.